The following is an entry in ClinVar:

ClinVar aggregate classification (germline): Uncertain significance (1 of 4 stars; one submission).

Allele frequency attached by ClinVar (database versions not stated): gnomAD 0.00002; gnomAD exomes 0.00002; TOPMed 0.00002.
gnomAD v4.1: 28 of 1,613,956 alleles (0.0017%); highest among the groups gnomAD compares: Non-Finnish European, 0.0022%; no homozygotes.

Submission:

Labcorp Genetics (formerly Invitae), Labcorp
Classification: Uncertain significance. Last evaluated: 2025-12-02. Review status: criteria provided, single submitter. Criteria: Invitae Variant Classification Sherloc (09022015). Collection method: clinical testing. Allele origin: germline.
Comment: This sequence change replaces phenylalanine, which is neutral and non-polar, with leucine, which is neutral and non-polar, at codon 625 of the ADGRE2 protein (p.Phe625Leu). This variant is present in population databases (rs767441479, gnomAD 0.002%). This variant has not been reported in the literature in individuals affected with ADGRE2-related conditions. ClinVar contains an entry for this variant (Variation ID: 1980567). An algorithm developed to predict the effect of missense changes on protein structure and function outputs the following: PolyPhen-2: "Possibly Damaging". The leucine amino acid residue is found in multiple mammalian species, which suggests that this missense change does not adversely affect protein function. In summary, the available evidence is currently insufficient to determine the role of this variant in disease. Therefore, it has been classified as a Variant of Uncertain Significance.

NM_013447.4(ADGRE2):c.1873T>C (p.Phe625Leu)

Gene: ADGRE2 (adhesion G protein-coupled receptor E2; minus strand). Cytogenetic location: 19p13.12.
Variant type: single nucleotide variant.
Coding change: c.1873T>C on transcript NM_013447.4 (MANE Select); coding-DNA position 1873, T replaced by C.
Protein change: p.Phe625Leu; replaces phenylalanine 625 with leucine.
Molecular consequence: missense variant.
Genome position (GRCh38, 1-based): chr19:14,751,587, A>G on the plus strand (T>C on the coding strand, the complement: ADGRE2 is on the minus strand). VCF-style: chr19-14751587-A-G. GRCh37 (hg19) VCF-style: chr19-14862399-A-G.
Other names: c.1594T>C, p.Phe532Leu (NM_152917.2); c.1699T>C, p.Phe567Leu (NM_001271052.1); c.1726T>C, p.Phe576Leu (NM_152916.2); short protein forms F567L, F576L, F532L, F625L.
Identifiers: ClinVar variation 1980567 (VCV001980567.4), dbSNP rs767441479, ClinGen allele CA305700867.